The following is an entry in ClinVar:

ClinVar aggregate classification (germline): Uncertain significance (1 of 4 stars; one submission).

Conditions:
Aniridia 1 (AN1). Identifiers: Orphanet 250923, MedGen C0344542, MONDO:0024507, OMIM 106210.
Irido-corneo-trabecular dysgenesis (ASGD5). Also called: ANTERIOR SEGMENT DYSGENESIS 5. Identifiers: Orphanet 708, MedGen C0344559, MONDO:0011414, OMIM 604229, HP:0000659.

gnomAD v4.1: 2 of 1,614,178 alleles (0.00012%); highest among the groups gnomAD compares: Non-Finnish European, 0.00017%; no homozygotes.

Submission:

Labcorp Genetics (formerly Invitae), Labcorp
Classification: Uncertain significance for Aniridia 1; Irido-corneo-trabecular dysgenesis. Last evaluated: 2024-11-12. Review status: criteria provided, single submitter. Criteria: Invitae Variant Classification Sherloc (09022015). Collection method: clinical testing. Allele origin: germline.
Comment: This sequence change replaces tyrosine, which is neutral and polar, with cysteine, which is neutral and slightly polar, at codon 326 of the PAX6 protein (p.Tyr326Cys). This variant is not present in population databases (gnomAD no frequency). This variant has not been reported in the literature in individuals affected with PAX6-related conditions. Invitae Evidence Modeling of protein sequence and biophysical properties (such as structural, functional, and spatial information, amino acid conservation, physicochemical variation, residue mobility, and thermodynamic stability) indicates that this missense variant is expected to disrupt PAX6 protein function with a positive predictive value of 80%. In summary, the available evidence is currently insufficient to determine the role of this variant in disease. Therefore, it has been classified as a Variant of Uncertain Significance.

NM_001368894.2(PAX6):c.1019A>G (p.Tyr340Cys)

Gene: PAX6 (paired box 6; minus strand). Cytogenetic location: 11p13.
Variant type: single nucleotide variant.
Coding change: c.1019A>G on transcript NM_001368894.2 (MANE Select); coding-DNA position 1019, A replaced by G.
Protein change: p.Tyr340Cys; replaces tyrosine 340 with cysteine.
Molecular consequence: missense variant. On other transcripts: non-coding transcript variant (2).
Genome position (GRCh38, 1-based): chr11:31,793,493, T>C on the plus strand (A>G on the coding strand, the complement: PAX6 is on the minus strand). VCF-style: chr11-31793493-T-C. GRCh37 (hg19) VCF-style: chr11-31815041-T-C.
Other names: c.977A>G, p.Tyr326Cys (NM_000280.6, NM_001127612.3, NM_001258464.2 and 10 more transcripts); c.1019A>G, p.Tyr340Cys (NM_001258462.3, NM_001258463.2, NM_001310158.2 and 6 more transcripts); c.569A>G, p.Tyr190Cys (NM_001310160.2, NM_001310161.3, NM_001368899.2 and 11 more transcripts); c.1220A>G, p.Tyr407Cys (NM_001368910.2); c.1022A>G, p.Tyr341Cys (NM_001368911.2); c.1094A>G, p.Tyr365Cys (NM_001368918.2, NM_001368919.2); c.1052A>G, p.Tyr351Cys (NM_001368920.2); c.818A>G, p.Tyr273Cys (NM_001368921.2, NM_001368922.2, NM_001368923.2 and 4 more transcripts); and 2 more; short protein forms Y125C, Y190C, Y259C, Y273C, Y326C, Y340C, Y341C, Y351C.
Identifiers: ClinVar variation 3758129 (VCV003758129.2).